The following is an entry in ClinVar:

ClinVar aggregate classification (germline): Conflicting classifications of pathogenicity. Review status: criteria provided, conflicting classifications (1 of 4 stars). 7 submissions from 7 submitters: Uncertain significance (4); Likely benign (2). 1 of the submissions does not count toward it. Last evaluated 2026-02-03.

Conditions:
AXIN2-related disorder.
Hereditary cancer-predisposing syndrome. Also called: Hereditary Cancer Syndrome; Hereditary neoplastic syndrome; Neoplastic Syndromes, Hereditary; Tumor predisposition. Identifiers: Orphanet 140162, MedGen C0027672, MeSH D009386, MONDO:0015356.
Oligodontia-cancer predisposition syndrome. Also called: TOOTH AGENESIS-COLORECTAL CANCER SYNDROME. Identifiers: Orphanet 300576, MedGen C1837750, MONDO:0012075, OMIM 608615. Disease mechanism: loss of function.

Allele frequency attached by ClinVar (database versions not stated): gnomAD 0.00006; TOPMed 0.00007; gnomAD exomes 0.00010 and 0.00011; ExAC 0.00012; ESP Exome Variant Server 0.00015.

Submissions (7):

Labcorp Genetics (formerly Invitae), Labcorp
Classification: Uncertain significance for Oligodontia-cancer predisposition syndrome. Last evaluated: 2026-02-03. Review status: criteria provided, single submitter. Criteria: Invitae Variant Classification Sherloc (09022015). Collection method: clinical testing. Allele origin: germline.
Comment: This sequence change replaces alanine, which is neutral and non-polar, with valine, which is neutral and non-polar, at codon 533 of the AXIN2 protein (p.Ala533Val). This variant is present in population databases (rs147716924, gnomAD 0.02%). This variant has not been reported in the literature in individuals affected with AXIN2-related conditions. ClinVar contains an entry for this variant (Variation ID: 408803). Invitae Evidence Modeling of protein sequence and biophysical properties (such as structural, functional, and spatial information, amino acid conservation, physicochemical variation, residue mobility, and thermodynamic stability) indicates that this missense variant is not expected to disrupt AXIN2 protein function with a negative predictive value of 80%. In summary, the available evidence is currently insufficient to determine the role of this variant in disease. Therefore, it has been classified as a Variant of Uncertain Significance.

Quest Diagnostics Nichols Institute San Juan Capistrano
Classification: Likely benign. Last evaluated: 2025-08-08. Review status: criteria provided, single submitter. Criteria: Quest Diagnostics criteria. Collection method: clinical testing. Allele origin: unknown.

GeneDx
Classification: Uncertain significance. Last evaluated: 2025-06-12. Review status: criteria provided, single submitter. Criteria: GeneDx Variant Classification Process June 2021. Collection method: clinical testing. Allele origin: germline. Affected: yes.
Comment: In silico analysis suggests that this missense variant does not alter protein structure/function; Observed in an individual with hypodontia (PMID: Gonzalez-Perez_2024_CaseReport); This variant is associated with the following publications: (PMID: 28481359, 38887977, Gonzalez-Perez2024[CaseReport])

Ambry Genetics
Classification: Likely benign for Hereditary cancer-predisposing syndrome. Last evaluated: 2023-08-30. Review status: criteria provided, single submitter. Criteria: Ambry Variant Classification Scheme 2023. Collection method: clinical testing. Allele origin: germline.

MGZ Medical Genetics Center
Classification: Uncertain significance for Oligodontia-cancer predisposition syndrome. Last evaluated: 2022-07-27. Review status: criteria provided, single submitter. Criteria: ACMG Guidelines, 2015. Collection method: clinical testing. Allele origin: germline. Affected: yes. Observed: 1 variant allele.
Comment: ACMG criteria applied: PM2_SUP, BP4

Sema4
Classification: Uncertain significance for Hereditary cancer-predisposing syndrome. Last evaluated: 2021-06-14. Review status: criteria provided, single submitter. Criteria: Sema4 Curation Guidelines. Collection method: curation. Allele origin: germline.
Comment: The AXIN2 c.1598C>T (p.A533V) variant has not been reported in the literature to our knowledge. It was observed in 23/113722 chromosomes in the Non-Finnish European subpopulation, including 0 homozygotes, in the large and broad cohorts of the Genome Aggregation Database (PMID: 32461654). This variant has been reported in ClinVar (Variation ID: 408803). In silico tools suggest the impact of the variant on protein function is inconclusive, though these predictions have not been confirmed by functional studies. The evidence is insufficient to meet ACMG/AMP criteria for classifying the variant as benign or pathogenic. Thus, the clinical significance of this variant is currently uncertain.

PreventionGenetics, part of Exact Sciences
Classification: Likely benign for AXIN2-related condition. Last evaluated: 2024-03-07. Review status: no assertion criteria provided. Collection method: clinical testing. Allele origin: germline. Not counted in ClinVar's aggregate classification.
Comment: This variant is classified as likely benign based on ACMG/AMP sequence variant interpretation guidelines (Richards et al. 2015 PMID: 25741868, with internal and published modifications).

Literature cited by the submitters: PubMed 38887977 (cited by Quest Diagnostics Nichols Institute San Juan Capistrano).

NM_004655.4(AXIN2):c.1598C>T (p.Ala533Val)

Gene: AXIN2 (axin 2; minus strand). Cytogenetic location: 17q24.1.
Variant type: single nucleotide variant.
Coding change: c.1598C>T on transcript NM_004655.4 (MANE Select); coding-DNA position 1598, C replaced by T.
Protein change: p.Ala533Val; replaces alanine 533 with valine.
Molecular consequence: missense variant.
Genome position (GRCh38, 1-based): chr17:65,537,438, G>A on the plus strand (C>T on the coding strand, the complement: AXIN2 is on the minus strand). VCF-style: chr17-65537438-G-A. GRCh37 (hg19) VCF-style: chr17-63533556-G-A.
Other names: c.1598C>T (LRG_296t1); c.1598C>T, p.Ala533Val (NM_001363813.1); short protein forms A533V.
Identifiers: ClinVar variation 408803 (VCV000408803.27), dbSNP rs147716924, ClinGen allele CA8718606.